The following is an entry in ClinVar:

NM_014236.4(GNPAT):c.1377C>T (p.Ser459=)

Gene: GNPAT (glyceronephosphate O-acyltransferase; plus strand). Cytogenetic location: 1q42.2.
Variant type: single nucleotide variant.
Coding change: c.1377C>T on transcript NM_014236.4 (MANE Select); coding-DNA position 1377, C replaced by T.
Protein change: p.Ser459=; no amino-acid change (serine 459 retained).
Molecular consequence: synonymous variant.
Genome position (GRCh38, 1-based): chr1:231,270,855, C>T. VCF-style: chr1-231270855-C-T. GRCh37 (hg19) VCF-style: chr1-231406601-C-T.
Other names: c.1194C>T, p.Ser398= (NM_001316350.2).
Identifiers: ClinVar variation 506601 (VCV000506601.36), dbSNP rs549151385, ClinGen allele CA1452009.
Genomic context (GRCh38, chr1:231,270,855, plus strand): 5'-TCTTCTGCATTCCAACATTGCCAGCCTTGTCAAAGACCAGGTGATTCTGAAAGTGGACTC[C>T]GGAGACTCGGAAGTGGTCGATGGGCTTATGCTCCAGCACATCACTCTCCTCATGTGCTCA-3'
Protein context (NP_055051.1, residues 449-469): VKDQVILKVD[Ser459=]GDSEVVDGLM

ClinVar aggregate classification (germline): Benign/Likely benign. Review status: criteria provided, multiple submitters, no conflicts (2 of 4 stars). 4 submissions from 4 submitters: Benign (2); Likely benign (2). Last evaluated 2026-01-28.

Allele frequency attached by ClinVar (database versions not stated): gnomAD 0.00004 and 0.00013; TOPMed 0.00006; gnomAD exomes 0.00030 and 0.00057; 1000 Genomes Project 0.00040; 1000 Genomes Project 30x 0.00047; ExAC 0.00064.
gnomAD v4.1: 450 of 1,614,096 alleles (0.028%); highest among the groups gnomAD compares: South Asian, 0.43%; 7 homozygotes.

Submissions (4):

Labcorp Genetics (formerly Invitae), Labcorp
Classification: Benign. Last evaluated: 2026-01-28. Review status: criteria provided, single submitter. Criteria: Invitae Variant Classification Sherloc (09022015). Collection method: clinical testing. Allele origin: germline.

CeGaT Center for Human Genetics Tuebingen
Classification: Likely benign. Last evaluated: 2025-04-01. Review status: criteria provided, single submitter. Criteria: CeGaT Center For Human Genetics Tuebingen Variant Classification Criteria Version 2. Collection method: clinical testing. Allele origin: germline. Affected: yes. Observed: 3 variant alleles.
Comment: GNPAT: BP4, BP7

Blueprint Genetics
Classification: Likely benign. Last evaluated: 2024-11-20. Review status: criteria provided, single submitter. Criteria: ACMG Guidelines, 2015. Collection method: clinical testing. Allele origin: germline.

GeneDx
Classification: Benign. Last evaluated: 2017-12-06. Review status: criteria provided, single submitter. Criteria: GeneDx Variant Classification (06012015). Collection method: clinical testing. Allele origin: germline. Affected: yes.
Comment: This variant is considered likely benign or benign based on one or more of the following criteria: it is a conservative change, it occurs at a poorly conserved position in the protein, it is predicted to be benign by multiple in silico algorithms, and/or has population frequency not consistent with disease.